The following is an entry in ClinVar:

NM_014915.3(ANKRD26):c.755C>T (p.Pro252Leu)

Gene: ANKRD26 (ankyrin repeat domain 26; minus strand). Cytogenetic location: 10p12.1.
Variant type: single nucleotide variant.
Coding change: c.755C>T on transcript NM_014915.3 (MANE Select); coding-DNA position 755, C replaced by T.
Protein change: p.Pro252Leu; replaces proline 252 with leucine.
Molecular consequence: missense variant.
Genome position (GRCh38, 1-based): chr10:27,079,147, G>A on the plus strand (C>T on the coding strand, the complement: ANKRD26 is on the minus strand). VCF-style: chr10-27079147-G-A. GRCh37 (hg19) VCF-style: chr10-27368076-G-A.
Other names: p.Pro252Leu; c.755C>T, p.Pro252Leu (NM_001256053.2); short protein forms P252L.
Identifiers: ClinVar variation 1804191 (VCV001804191.9), dbSNP rs775771212, ClinGen allele CA5448796.

ClinVar aggregate classification (germline): Uncertain significance. Review status: criteria provided, multiple submitters, no conflicts (2 of 4 stars). 4 submissions from 4 submitters: Uncertain significance (4). Last evaluated 2024-10-20.

Conditions:
Inborn genetic diseases. Identifiers: MedGen C0950123, MeSH D030342.

Allele frequency attached by ClinVar (database versions not stated): TOPMed 0.00002; ExAC 0.00002; gnomAD 0.00001; gnomAD exomes 0.00002.
gnomAD v4.1: 37 of 1,613,376 alleles (0.0023%); highest among the groups gnomAD compares: Admixed American, 0.015%; no homozygotes.

Submissions (4):

Labcorp Genetics (formerly Invitae), Labcorp
Classification: Uncertain significance. Last evaluated: 2024-10-20. Review status: criteria provided, single submitter. Criteria: Invitae Variant Classification Sherloc (09022015). Collection method: clinical testing. Allele origin: germline.
Comment: This sequence change replaces proline, which is neutral and non-polar, with leucine, which is neutral and non-polar, at codon 252 of the ANKRD26 protein (p.Pro252Leu). This variant is present in population databases (rs775771212, gnomAD 0.02%). This variant has not been reported in the literature in individuals affected with ANKRD26-related conditions. ClinVar contains an entry for this variant (Variation ID: 1804191). An algorithm developed to predict the effect of missense changes on protein structure and function (PolyPhen-2) suggests that this variant is likely to be tolerated. In summary, the available evidence is currently insufficient to determine the role of this variant in disease. Therefore, it has been classified as a Variant of Uncertain Significance.

Mayo Clinic Laboratories, Mayo Clinic
Classification: Uncertain significance. Last evaluated: 2024-10-14. Review status: criteria provided, single submitter. Criteria: ACMG Guidelines, 2015. Collection method: clinical testing. Allele origin: germline. Observed: 1 variant allele.
Comment: BP4

Ambry Genetics
Classification: Uncertain significance for Inborn genetic diseases. Last evaluated: 2024-10-04. Review status: criteria provided, single submitter. Criteria: Ambry Variant Classification Scheme 2023. Collection method: clinical testing. Allele origin: germline.
Comment: The p.P252L variant (also known as c.755C>T), located in coding exon 7 of the ANKRD26 gene, results from a C to T substitution at nucleotide position 755. The proline at codon 252 is replaced by leucine, an amino acid with similar properties. This amino acid position is conserved. In addition, this alteration is predicted to be tolerated by in silico analysis. Based on the available evidence, the clinical significance of this variant remains unclear.

GeneDx
Classification: Uncertain significance. Last evaluated: 2024-05-26. Review status: criteria provided, single submitter. Criteria: GeneDx Variant Classification Process June 2021. Collection method: clinical testing. Allele origin: germline.
Comment: Has not been previously published as pathogenic or benign to our knowledge; In silico analysis supports that this missense variant has a deleterious effect on protein structure/function